The following is an entry in ClinVar:

NR_003051.3(RMRP):n.-5delGinsAACGTGCTCTGTGAAGCTGAGA

Gene: RMRP (RNA component of mitochondrial RNA processing endoribonuclease; minus strand). Cytogenetic location: 9p13.3.
Variant type: Indel.
Genome position: GRCh38 VCF-style: chr9-35658023-C-TCTCAGCTTCACAGAGCACGTT. GRCh37 (hg19) VCF-style: chr9-35658020-C-TCTCAGCTTCACAGAGCACGTT.
Identifiers: ClinVar variation 4817186 (VCV004817186.1).
Genomic context (GRCh38, chr9:35,658,023, plus strand): 5'-GGGGAGGAACAGAGTCCTCAGTGTGTAGCCTAGGATACAGGCCTTCAGCACGAACCACGT[C>TCTCAGCTTCACAGAGCACGTT]CTCAGCTTCACAGAGTAGTATTTTATAGCCCTAAAGAAATTGTGTTTTATGATTAGGGTG-3'

ClinVar aggregate classification (germline): Likely pathogenic (1 of 4 stars; one submission).

Conditions:
Metaphyseal chondrodysplasia, McKusick type (CHH). Also called: Cartilage-hair hypoplasia; Cartilage-Hair Hypoplasia (CHH). Identifiers: Orphanet 175, MedGen C0220748, MONDO:0009595, OMIM 250250.

Submission:

Natera, Inc.
Classification: Likely pathogenic for Cartilage-hair hypoplasia. Last evaluated: 2025-08-29. Review status: criteria provided, single submitter. Criteria: Natera Variant Classification Schema (03/2026). Collection method: clinical testing. Allele origin: germline.
Comment: The n.-5delGinsAACGTGCTCTGTGAAGCTGAGA variant in RMRP is an insertion affecting the RMRP promoter region between the TATA box and the transcription initiation site. Other duplications and insertions just upstream of the transcription initiation site have been reported in individuals affected with cartilage-hair hypoplasia (PMID: 11207361, 17937437). This variant is rare in the general population with a frequency below the threshold expected for the associated phenotype(s). Given the available evidence, this variant is classified as Likely pathogenic.

Literature cited by the submitters: PubMed 11207361; PubMed 17937437.